The following is an entry in ClinVar:

ClinVar aggregate classification (germline): Uncertain significance (1 of 4 stars; one submission).

Conditions:
Autoimmune lymphoproliferative syndrome, type III caused by mutation in PRKCD. Identifiers: Orphanet 3261, Orphanet 664711, MedGen C3809928, MONDO:8000024, OMIM 615559.

Submission:

Labcorp Genetics (formerly Invitae), Labcorp
Classification: Uncertain significance for Autoimmune lymphoproliferative syndrome, type III caused by mutation in PRKCD. Last evaluated: 2025-09-22. Review status: criteria provided, single submitter. Criteria: Invitae Variant Classification Sherloc (09022015). Collection method: clinical testing. Allele origin: germline.
Comment: This sequence change replaces glutamic acid, which is acidic and polar, with glutamine, which is neutral and polar, at codon 373 of the PRKCD protein (p.Glu373Gln). This variant is present in population databases (rs782345985, gnomAD 0.006%). This variant has not been reported in the literature in individuals affected with PRKCD-related conditions. An algorithm developed to predict the effect of missense changes on protein structure and function outputs the following: PolyPhen-2: "Benign". The glutamine amino acid residue is found in multiple mammalian species, which suggests that this missense change does not adversely affect protein function. In summary, the available evidence is currently insufficient to determine the role of this variant in disease. Therefore, it has been classified as a Variant of Uncertain Significance.

NM_006254.4(PRKCD):c.1117G>C (p.Glu373Gln)

Gene: PRKCD (protein kinase C delta; plus strand). Cytogenetic location: 3p21.1.
Variant type: single nucleotide variant.
Coding change: c.1117G>C on transcript NM_006254.4 (MANE Select); coding-DNA position 1117, G replaced by C.
Protein change: p.Glu373Gln; replaces glutamic acid 373 with glutamine.
Molecular consequence: missense variant.
Genome position (GRCh38, 1-based): chr3:53,186,197, G>C. VCF-style: chr3-53186197-G-C. GRCh37 (hg19) VCF-style: chr3-53220213-G-C.
Other names: c.1117G>C, p.Glu373Gln (NM_001316327.2, NM_001354679.2, NM_001354680.2 and 1 more transcripts); c.1174G>C, p.Glu392Gln (NM_001354676.2); c.1165G>C, p.Glu389Gln (NM_001354678.2); short protein forms E373Q, E392Q, E389Q.
Identifiers: ClinVar variation 4781300 (VCV004781300.1).